The following is an entry in ClinVar:

NM_182914.3(SYNE2):c.14720C>T (p.Ala4907Val)

Gene: SYNE2 (spectrin repeat containing nuclear envelope protein 2; plus strand). Cytogenetic location: 14q23.2.
Variant type: single nucleotide variant.
Coding change: c.14720C>T on transcript NM_182914.3 (MANE Select); coding-DNA position 14720, C replaced by T.
Protein change: p.Ala4907Val; replaces alanine 4907 with valine.
Molecular consequence: missense variant.
Genome position (GRCh38, 1-based): chr14:64,137,860, C>T. VCF-style: chr14-64137860-C-T. GRCh37 (hg19) VCF-style: chr14-64604578-C-T.
Other names: c.14720C>T, p.Ala4907Val (NM_015180.6); short protein forms A4907V.
Identifiers: ClinVar variation 705179 (VCV000705179.34), dbSNP rs144804554, ClinGen allele CA7222858.

ClinVar aggregate classification (germline): Benign. Review status: criteria provided, multiple submitters, no conflicts (2 of 4 stars). 3 submissions from 3 submitters: Benign (2). 1 of the submissions does not count toward it. Last evaluated 2025-10-08.

Conditions:
SYNE2-related disorder. Also called: SYNE2-related condition.
Emery-Dreifuss muscular dystrophy 5, autosomal dominant (EDMD5). Also called: EMERY-DREIFUSS MUSCULAR DYSTROPHY 5. Identifiers: Orphanet 261, MedGen C2751805, MONDO:0013072, OMIM 612999.

Allele frequency attached by ClinVar (database versions not stated): ESP Exome Variant Server 0.00023; gnomAD 0.00023 and 0.00053; TOPMed 0.00028; gnomAD exomes 0.00061 and 0.00136; 1000 Genomes Project 30x 0.00125; ExAC 0.00144; 1000 Genomes Project 0.00160.
gnomAD v4.1: 1,000 of 1,614,132 alleles (0.062%); highest among the groups gnomAD compares: South Asian, 0.94%; 17 homozygotes.

Submissions (3):

Labcorp Genetics (formerly Invitae), Labcorp
Classification: Benign for Emery-Dreifuss muscular dystrophy 5, autosomal dominant. Last evaluated: 2025-10-08. Review status: criteria provided, single submitter. Criteria: Invitae Variant Classification Sherloc (09022015). Collection method: clinical testing. Allele origin: germline.

CeGaT Center for Human Genetics Tuebingen
Classification: Benign. Last evaluated: 2024-06-01. Review status: criteria provided, single submitter. Criteria: CeGaT Center For Human Genetics Tuebingen Variant Classification Criteria Version 2. Collection method: clinical testing. Allele origin: germline. Affected: yes. Observed: 2 variant alleles.
Comment: SYNE2: BP4, BS1, BS2

PreventionGenetics, part of Exact Sciences
Classification: Benign for SYNE2-related condition. Last evaluated: 2019-05-07. Review status: no assertion criteria provided. Collection method: clinical testing. Allele origin: germline. Not counted in ClinVar's aggregate classification.
Comment: This variant is classified as benign based on ACMG/AMP sequence variant interpretation guidelines (Richards et al. 2015 PMID: 25741868, with internal and published modifications).